The following is an entry in ClinVar:

ClinVar aggregate classification (germline): Uncertain significance (1 of 4 stars; one submission).

gnomAD v4.1: 8 of 1,614,004 alleles (0.0005%); highest among the groups gnomAD compares: Admixed American, 0.0067%; no homozygotes.

Submission:

Labcorp Genetics (formerly Invitae), Labcorp
Classification: Uncertain significance. Last evaluated: 2023-11-17. Review status: criteria provided, single submitter. Criteria: Invitae Variant Classification Sherloc (09022015). Collection method: clinical testing. Allele origin: germline.
Comment: This sequence change replaces arginine, which is basic and polar, with leucine, which is neutral and non-polar, at codon 378 of the TGM6 protein (p.Arg378Leu). This variant is present in population databases (rs756051299, gnomAD 0.009%). This variant has not been reported in the literature in individuals affected with TGM6-related conditions. Advanced modeling of protein sequence and biophysical properties (such as structural, functional, and spatial information, amino acid conservation, physicochemical variation, residue mobility, and thermodynamic stability) performed at Invitae indicates that this missense variant is not expected to disrupt TGM6 protein function with a negative predictive value of 80%. In summary, the available evidence is currently insufficient to determine the role of this variant in disease. Therefore, it has been classified as a Variant of Uncertain Significance.

NM_198994.3(TGM6):c.1133G>T (p.Arg378Leu)

Gene: TGM6 (transglutaminase 6; plus strand). Cytogenetic location: 20p13.
Variant type: single nucleotide variant.
Coding change: c.1133G>T on transcript NM_198994.3 (MANE Select); coding-DNA position 1133, G replaced by T.
Protein change: p.Arg378Leu; replaces arginine 378 with leucine.
Molecular consequence: missense variant.
Genome position (GRCh38, 1-based): chr20:2,403,620, G>T. VCF-style: chr20-2403620-G-T. GRCh37 (hg19) VCF-style: chr20-2384266-G-T.
Other names: c.1133G>T, p.Arg378Leu (NM_001254734.2); short protein forms R378L.
Identifiers: ClinVar variation 2720213 (VCV002720213.3), dbSNP rs756051299, ClinGen allele CA9731988.